The following is an entry in ClinVar:

NM_020338.4(ZMIZ1):c.697T>C (p.Tyr233His)

Gene: ZMIZ1 (zinc finger MIZ-type containing 1; plus strand). Cytogenetic location: 10q22.3.
Variant type: single nucleotide variant.
Coding change: c.697T>C on transcript NM_020338.4 (MANE Select); coding-DNA position 697, T replaced by C.
Protein change: p.Tyr233His; replaces tyrosine 233 with histidine.
Molecular consequence: missense variant.
Genome position (GRCh38, 1-based): chr10:79,291,115, T>C. VCF-style: chr10-79291115-T-C. GRCh37 (hg19) VCF-style: chr10-81050872-T-C.
Other names: short protein forms Y233H.
Identifiers: ClinVar variation 2868791 (VCV002868791.3), dbSNP rs751528155, ClinGen allele CA5572417.

ClinVar aggregate classification (germline): Uncertain significance (1 of 4 stars; one submission).

Allele frequency attached by ClinVar (database versions not stated): gnomAD exomes below 0.00001; ExAC 0.00001; gnomAD 0.00001.
gnomAD v4.1: 2 of 1,614,028 alleles (0.00012%); highest among the groups gnomAD compares: Non-Finnish European, 0.00017%; no homozygotes.

Submission:

Labcorp Genetics (formerly Invitae), Labcorp
Classification: Uncertain significance. Last evaluated: 2024-01-23. Review status: criteria provided, single submitter. Criteria: Invitae Variant Classification Sherloc (09022015). Collection method: clinical testing. Allele origin: germline.
Comment: This sequence change replaces tyrosine, which is neutral and polar, with histidine, which is basic and polar, at codon 233 of the ZMIZ1 protein (p.Tyr233His). This variant is not present in population databases (gnomAD no frequency). This variant has not been reported in the literature in individuals affected with ZMIZ1-related conditions. Advanced modeling of protein sequence and biophysical properties (such as structural, functional, and spatial information, amino acid conservation, physicochemical variation, residue mobility, and thermodynamic stability) performed at Invitae indicates that this missense variant is expected to disrupt ZMIZ1 protein function with a positive predictive value of 80%. In summary, the available evidence is currently insufficient to determine the role of this variant in disease. Therefore, it has been classified as a Variant of Uncertain Significance.